The following is an entry in ClinVar:

ClinVar aggregate classification (germline): Likely pathogenic (0 of 4 stars; one submission).

Conditions:
CACNA1A-related disorder. Also called: CACNA1A-related condition.

Submission:

PreventionGenetics, part of Exact Sciences
Classification: Likely pathogenic for CACNA1A-related condition. Last evaluated: 2024-08-07. Review status: no assertion criteria provided. Collection method: clinical testing. Allele origin: germline.
Comment: The CACNA1A c.321delC variant is predicted to result in a frameshift and premature protein termination (p.Ile108Serfs*2). To our knowledge, this variant has not been reported in the literature or in a large population database, indicating this variant is rare. Frameshift variants in CACNA1A are expected to be pathogenic. This variant is interpreted as likely pathogenic.

NM_001127222.2(CACNA1A):c.321del (p.Ile108fs)

Gene: CACNA1A (calcium voltage-gated channel subunit alpha1 A; minus strand). Cytogenetic location: 19p13.13.
Variant type: Deletion.
Coding change: c.321del on transcript NM_001127222.2 (MANE Select); coding-DNA position 321, one base deleted (C; older notation c.321delC).
Protein change: p.Ile108fs; shifts the reading frame from isoleucine 108.
Molecular consequence: frameshift variant.
Genome position (GRCh38, 1-based): chr19:13,455,185, G deleted on the plus strand (C on the coding strand, the reverse complement: CACNA1A is on the minus strand); the first of 2 consecutive G bases (chr19:13,455,185-13,455,186); deleting either gives the same sequence. VCF-style (leftmost placement, unchanged base first): chr19-13455184-TG-T. GRCh37 (hg19) VCF-style: chr19-13565998-TG-T.
Other names: c.321del, p.Ile108fs (NM_000068.4, NM_001127221.2, NM_001174080.2 and 1 more transcripts); short protein forms I108fs.
Identifiers: ClinVar variation 3347151 (VCV003347151.1).